The following is an entry in ClinVar:

ClinVar aggregate classification (germline): Pathogenic. Review status: criteria provided, single submitter (1 of 4 stars). 2 submissions from 2 submitters: Pathogenic (1). 1 of the submissions does not count toward it. Last evaluated 2022-04-29.

Conditions:
Syndromic neurodevelopmental disorder.

Submissions (2):

GeneDx
Classification: Pathogenic. Last evaluated: 2022-04-29. Review status: criteria provided, single submitter. Criteria: GeneDx Variant Classification Process June 2021. Collection method: clinical testing. Allele origin: germline. Affected: yes.
Comment: Not observed at significant frequency in large population cohorts (gnomAD); In silico analysis supports that this missense variant has a deleterious effect on protein structure/function; This variant is associated with the following publications: (PMID: 30639322)

University of Washington Center for Mendelian Genomics, University of Washington
Classification: Likely pathogenic for syndromic neurodevelopmental disorder. Review status: no assertion criteria provided. Collection method: research. Allele origin: de novo. Affected: yes. Not counted in ClinVar's aggregate classification.

Literature cited by the submitters: PubMed 30639322 (cited by University of Washington Center for Mendelian Genomics, University of Washington).

NM_020338.4(ZMIZ1):c.887C>T (p.Thr296Ile)

Gene: ZMIZ1 (zinc finger MIZ-type containing 1; plus strand). Cytogenetic location: 10q22.3.
Variant type: single nucleotide variant.
Coding change: c.887C>T on transcript NM_020338.4 (MANE Select); coding-DNA position 887, C replaced by T.
Protein change: p.Thr296Ile; replaces threonine 296 with isoleucine.
Molecular consequence: missense variant.
Genome position (GRCh38, 1-based): chr10:79,292,286, C>T. VCF-style: chr10-79292286-C-T. GRCh37 (hg19) VCF-style: chr10-81052043-C-T.
Other names: short protein forms T296I.
Identifiers: ClinVar variation 996613 (VCV000996613.3), dbSNP rs1589579476, ClinGen allele CA377333038.